The following is an entry in ClinVar:

ClinVar aggregate classification (germline): Uncertain significance. Review status: criteria provided, multiple submitters, no conflicts (2 of 4 stars). 2 submissions from 2 submitters: Uncertain significance (2). Last evaluated 2024-12-14.

Conditions:
Inborn genetic diseases. Identifiers: MedGen C0950123, MeSH D030342.

Allele frequency attached by ClinVar (database versions not stated): gnomAD 0.00004; TOPMed 0.00005; gnomAD exomes 0.00003; ExAC 0.00004; ESP Exome Variant Server 0.00008.
gnomAD v4.1: 54 of 1,614,190 alleles (0.0033%); highest among the groups gnomAD compares: Middle Eastern, 0.033%; no homozygotes.

Submissions (2):

Labcorp Genetics (formerly Invitae), Labcorp
Classification: Uncertain significance. Last evaluated: 2024-12-14. Review status: criteria provided, single submitter. Criteria: Invitae Variant Classification Sherloc (09022015). Collection method: clinical testing. Allele origin: germline.
Comment: This sequence change replaces proline, which is neutral and non-polar, with glutamine, which is neutral and polar, at codon 685 of the CLCN2 protein (p.Pro685Gln). This variant is present in population databases (rs372387452, gnomAD 0.009%). This variant has not been reported in the literature in individuals affected with CLCN2-related conditions. ClinVar contains an entry for this variant (Variation ID: 2045201). Invitae Evidence Modeling of protein sequence and biophysical properties (such as structural, functional, and spatial information, amino acid conservation, physicochemical variation, residue mobility, and thermodynamic stability) indicates that this missense variant is not expected to disrupt CLCN2 protein function with a negative predictive value of 80%. In summary, the available evidence is currently insufficient to determine the role of this variant in disease. Therefore, it has been classified as a Variant of Uncertain Significance.

Ambry Genetics
Classification: Uncertain significance for Inborn genetic diseases. Last evaluated: 2023-11-22. Review status: criteria provided, single submitter. Criteria: Ambry Variant Classification Scheme 2023. Collection method: clinical testing. Allele origin: germline.

NM_004366.6(CLCN2):c.2054C>A (p.Pro685Gln)

Gene: CLCN2 (chloride voltage-gated channel 2; minus strand). Cytogenetic location: 3q27.1.
Variant type: single nucleotide variant.
Coding change: c.2054C>A on transcript NM_004366.6 (MANE Select); coding-DNA position 2054, C replaced by A.
Protein change: p.Pro685Gln; replaces proline 685 with glutamine.
Molecular consequence: missense variant.
Genome position (GRCh38, 1-based): chr3:184,353,122, G>T on the plus strand (C>A on the coding strand, the complement: CLCN2 is on the minus strand). VCF-style: chr3-184353122-G-T. GRCh37 (hg19) VCF-style: chr3-184070910-G-T.
Other names: c.2054C>A (NM_004366.4); c.2003C>A, p.Pro668Gln (NM_001171087.3); c.1922C>A, p.Pro641Gln (NM_001171088.3); c.2054C>A, p.Pro685Gln (NM_001171089.3); short protein forms P641Q, P668Q, P685Q.
Identifiers: ClinVar variation 2045201 (VCV002045201.5), dbSNP rs372387452, ClinGen allele CA2733882.